The following is an entry in ClinVar:

ClinVar aggregate classification (germline): Conflicting classifications of pathogenicity. Review status: criteria provided, conflicting classifications (1 of 4 stars). 4 submissions from 4 submitters: Likely pathogenic (2); Uncertain significance (2). Last evaluated 2025-07-22.

Conditions:
GATA2 deficiency with susceptibility to MDS/AML. Identifiers: MedGen CN300066, MONDO:0042982.
Deafness-lymphedema-leukemia syndrome. Also called: Lymphedema, primary, with myelodysplasia; Emberger syndrome. Identifiers: Orphanet 3226, MedGen C3279664, MONDO:0013540, OMIM 614038.
GATA2-related disorder. Also called: GATA2-Related Disorders; GATA2-related condition.
Inborn genetic diseases. Identifiers: MedGen C0950123, MeSH D030342.
Monocytopenia with susceptibility to infections. Also called: IMMUNODEFICIENCY 21; MONOCYTOPENIA AND MYCOBACTERIAL INFECTION SYNDROME; MONOCYTOPENIA WITH SUSCEPTIBILITY TO MYCOBACTERIAL, FUNGAL, AND PAPILLOMAVIRUS INFECTIONS AND MYELODYSPLASIA; COMBINED IMMUNODEFICIENCY WITH SUSCEPTIBILITY TO MYCOBACTERIAL, VIRAL, AND FUNGAL INFECTIONS; Dendritic cell, monocyte, B lymphocyte, and natural killer lymphocyte deficiency; GATA2 DEFICIENCY. Identifiers: Orphanet 228423, MedGen C3280030, MONDO:0013607, OMIM 614172.

Allele frequency attached by ClinVar (database versions not stated): gnomAD 0.00001; TOPMed 0.00001.

Submissions (4):

Ambry Genetics
Classification: Uncertain significance for Inborn genetic diseases. Last evaluated: 2025-07-22. Review status: criteria provided, single submitter. Criteria: Ambry Variant Classification Scheme 2023. Collection method: clinical testing. Allele origin: germline.
Comment: The p.T387N variant (also known as c.1160C>A), located in coding exon 5 of the GATA2 gene, results from a C to A substitution at nucleotide position 1160. The threonine at codon 387 is replaced by asparagine, an amino acid with similar properties. This amino acid position is highly conserved in available vertebrate species. In addition, this alteration is predicted to be deleterious by in silico analysis. Based on the available evidence, the clinical significance of this variant remains unclear.

Labcorp Genetics (formerly Invitae), Labcorp
Classification: Uncertain significance for Monocytopenia with susceptibility to infections; Deafness-lymphedema-leukemia syndrome. Last evaluated: 2024-02-24. Review status: criteria provided, single submitter. Criteria: Invitae Variant Classification Sherloc (09022015). Collection method: clinical testing. Allele origin: germline.
Comment: This sequence change replaces threonine, which is neutral and polar, with asparagine, which is neutral and polar, at codon 387 of the GATA2 protein (p.Thr387Asn). This variant is not present in population databases (gnomAD no frequency). This missense change has been observed in individual(s) with clinical features of GATA2 deficiency (PMID: 31340620, 34387894). ClinVar contains an entry for this variant (Variation ID: 404089). Advanced modeling of protein sequence and biophysical properties (such as structural, functional, and spatial information, amino acid conservation, physicochemical variation, residue mobility, and thermodynamic stability) performed at Invitae indicates that this missense variant is expected to disrupt GATA2 protein function with a positive predictive value of 95%. In summary, the available evidence is currently insufficient to determine the role of this variant in disease. Therefore, it has been classified as a Variant of Uncertain Significance.

Blueprint Genetics
Classification: Likely pathogenic for GATA2-related disorders. Last evaluated: 2021-12-15. Review status: criteria provided, single submitter. Criteria: ACMG Guidelines, 2015. Collection method: clinical testing. Allele origin: germline. Affected: yes. Observed: 1 variant allele.

Molecular Pathology Research Laboratory, SA Pathology
Classification: Likely pathogenic for GATA2 deficiency with susceptibility to MDS/AML; Deafness-lymphedema-leukemia syndrome. Last evaluated: 2021-07-06. Review status: criteria provided, single submitter. Criteria: ACMG Guidelines, 2015. Collection method: curation. Allele origin: unknown. Inheritance: Autosomal dominant inheritance. Affected: yes. Observed: 1 variant allele.
Comment: PS4_Supporting, PM1, PM2, PP3

Literature cited by the submitters: PubMed 31340620 (cited by Labcorp Genetics (formerly Invitae), Labcorp and Molecular Pathology Research Laboratory, SA Pathology); PubMed 34387894 (cited by Labcorp Genetics (formerly Invitae), Labcorp).

NM_032638.5(GATA2):c.1160C>A (p.Thr387Asn)

Gene: GATA2 (GATA binding protein 2; minus strand). Cytogenetic location: 3q21.3.
Variant type: single nucleotide variant.
Coding change: c.1160C>A on transcript NM_032638.5 (MANE Select); coding-DNA position 1160, C replaced by A.
Protein change: p.Thr387Asn; replaces threonine 387 with asparagine.
Molecular consequence: missense variant.
Genome position (GRCh38, 1-based): chr3:128,481,302, G>T on the plus strand (C>A on the coding strand, the complement: GATA2 is on the minus strand). VCF-style: chr3-128481302-G-T. GRCh37 (hg19) VCF-style: chr3-128200145-G-T.
Other names: c.1160C>A, p.Thr387Asn (NM_001145661.2); c.1118C>A, p.Thr373Asn (NM_001145662.1); short protein forms T387N, T373N.
Identifiers: ClinVar variation 404089 (VCV000404089.11), dbSNP rs1060500092, ClinGen allele CA16611169.
Genomic context (GRCh38, chr3:128,481,302, plus strand): 5'-CTCTTCTTGGACTTGTTGGACATCTTCCGGTTCCGAGTCTGGATCCCTTCCTTCTTCATG[G>T]TCAGTGGCCTGTTAACCTAGAGGCAACCACCAGTTTTCAGAGGGCCAGTTCCTTCCTCCA-3'
Protein context (NP_116027.2, residues 377-397): YKLHNVNRPL[Thr387Asn]MKKEGIQTRN